The following is an entry in ClinVar:

NM_001377142.1(PLCB4):c.1662AGA[1] (p.Glu555del)

Gene: PLCB4 (phospholipase C beta 4; plus strand). Cytogenetic location: 20p12.2.
Variant type: Microsatellite.
Coding change: c.1662AGA[1] on transcript NM_001377142.1 (MANE Select); one copy of the 3-base unit AGA starting at c.1662; the reference has two copies in a row; one copy, 3 bases deleted.
Protein change: p.Glu555del; deletes glutamic acid 555.
Molecular consequence: inframe deletion.
Genome position (GRCh38, 1-based): chr20:9,407,934-9,407,936, AGA deleted; deleting any 3 consecutive bases within chr20:9,407,931-9,407,936 gives the same sequence; the position shown is the placement nearest the transcript's 3' end. VCF-style (leftmost placement, unchanged base first): chr20-9407930-TAGA-T. GRCh37 (hg19) VCF-style: chr20-9388577-TAGA-T.
Other names: c.1626AGA[1], p.Glu543del (NM_000933.4, NM_001377134.2, NM_001377135.1 and 2 more transcripts); c.1662AGA[1], p.Glu555del (NM_001172646.2, NM_001377143.1); c.1629_1631delAGA (NM_000933.4); short protein forms E543del, E555del.
Identifiers: ClinVar variation 3251821 (VCV003251821.1), dbSNP rs2515684973.
Genomic context (GRCh38, chr20:9,407,930, plus strand): 5'-TCCTACTGAAGTCATCAACTTATATGTTTTCTTCCTTGTGCTTGTAGGGCCTGGTCACTG[TAGA>T]AGATGAGCAGGCGTGGATGGCATCTTATAAATATGTAGGTGCTACCACTAATATCCATCC-3'

ClinVar aggregate classification (germline): Uncertain significance (1 of 4 stars; one submission).

Submission:

Women's Health and Genetics/Laboratory Corporation of America, LabCorp
Classification: Uncertain significance. Last evaluated: 2024-04-30. Review status: criteria provided, single submitter. Criteria: LabCorp Variant Classification Summary - May 2015. Collection method: clinical testing. Allele origin: germline.
Comment: Variant summary: PLCB4 c.1629_1631delAGA (p.Glu543del) results in an in-frame deletion that is predicted to remove one amino acid from the encoded protein. The variant was absent in 250718 control chromosomes. The available data on variant occurrences in the general population are insufficient to allow any conclusion about variant significance. To our knowledge, no occurrence of c.1629_1631delAGA in individuals affected with Auriculocondylar Syndrome and no experimental evidence demonstrating its impact on protein function have been reported. No submitters have cited clinical-significance assessments for this variant to ClinVar. Based on the evidence outlined above, the variant was classified as uncertain significance.